The following is an entry in ClinVar:

ClinVar aggregate classification (germline): Conflicting classifications of pathogenicity. Review status: criteria provided, conflicting classifications (1 of 4 stars). 2 submissions from 2 submitters: Uncertain significance (1); Likely benign (1). Last evaluated 2025-01-06.

Allele frequency attached by ClinVar (database versions not stated): gnomAD exomes below 0.00001; TOPMed 0.00001; ExAC 0.00002.
gnomAD v4.1: 1 of 1,610,958 alleles (0.000062%); highest among the groups gnomAD compares: East Asian, 0.0022%; no homozygotes.

Submissions (2):

Women's Health and Genetics/Laboratory Corporation of America, LabCorp
Classification: Uncertain significance. Last evaluated: 2025-01-06. Review status: criteria provided, single submitter. Criteria: LabCorp Variant Classification Summary - May 2015. Collection method: clinical testing. Allele origin: germline.
Comment: Variant summary: ABCA12 c.1160G>A (p.Ser387Asn) results in a conservative amino acid change in the encoded protein sequence. Five of five in-silico tools predict a benign effect of the variant on protein function. The variant allele was found at a frequency of 1.2e-05 in 251484 control chromosomes. The available data on variant occurrences in the general population are insufficient to allow any conclusion about variant significance. c.1160G>A has been reported in the literature at a compound heterozygous state along with a VUS change in one individual affected with Lamellar Ichthyosis and the variant was suggested to be de novo (Akiyama_2006). These report(s) do not provide unequivocal conclusions about association of the variant with Lamellar Ichthyosis. To our knowledge, no experimental evidence demonstrating an impact on protein function has been reported. The following publication has been ascertained in the context of this evaluation (PMID: 16675967). ClinVar contains an entry for this variant (Variation ID: 2734382). Based on the evidence outlined above, the variant was classified as uncertain significance.

Labcorp Genetics (formerly Invitae), Labcorp
Classification: Likely benign. Last evaluated: 2024-02-02. Review status: criteria provided, single submitter. Criteria: Invitae Variant Classification Sherloc (09022015). Collection method: clinical testing. Allele origin: germline.

Literature cited by the submitters: PubMed 16675967 (cited by Women's Health and Genetics/Laboratory Corporation of America, LabCorp).

NM_173076.3(ABCA12):c.1160G>A (p.Ser387Asn)

Gene: ABCA12 (ATP binding cassette subfamily A member 12; minus strand). Cytogenetic location: 2q35.
Variant type: single nucleotide variant.
Coding change: c.1160G>A on transcript NM_173076.3 (MANE Select); coding-DNA position 1160, G replaced by A.
Protein change: p.Ser387Asn; replaces serine 387 with asparagine.
Molecular consequence: missense variant. On other transcripts: non-coding transcript variant (1).
Genome position (GRCh38, 1-based): chr2:215,026,840, C>T on the plus strand (G>A on the coding strand, the complement: ABCA12 is on the minus strand). VCF-style: chr2-215026840-C-T. GRCh37 (hg19) VCF-style: chr2-215891564-C-T.
Other names: c.206G>A, p.Ser69Asn (NM_015657.4); short protein forms S69N, S387N.
Identifiers: ClinVar variation 2734382 (VCV002734382.5), dbSNP rs746315995, ClinGen allele CA2092330.
Genomic context (GRCh38, chr2:215,026,840, plus strand): 5'-AAACCATGAGCAGCATTTTGACTGTTAAGAACAGTATTACCTGGTGAACCTCTGGCCAAA[C>T]TGTCAGTCACATTTCTCACACATGCCAAGTAAGGAATATAAGGACTATTTGCTGATATAT-3'
Protein context (NP_775099.2, residues 377-397): YLACVRNVTD[Ser387Asn]LARGSPENLR